The following is an entry in ClinVar:

NM_020822.3(KCNT1):c.1726G>A (p.Glu576Lys)

Gene: KCNT1 (potassium sodium-activated channel subfamily T member 1; plus strand). Cytogenetic location: 9q34.3.
Variant type: single nucleotide variant.
Coding change: c.1726G>A on transcript NM_020822.3 (MANE Select); coding-DNA position 1726, G replaced by A.
Protein change: p.Glu576Lys; replaces glutamic acid 576 with lysine.
Molecular consequence: missense variant.
Genome position (GRCh38, 1-based): chr9:135,770,404, G>A. VCF-style: chr9-135770404-G-A. GRCh37 (hg19) VCF-style: chr9-138662250-G-A.
Other names: c.1591G>A, p.Glu531Lys (NM_001272003.2); short protein forms E576K, E531K.
Identifiers: ClinVar variation 194781 (VCV000194781.32), dbSNP rs147306623, ClinGen allele CA240952.

ClinVar aggregate classification (germline): Conflicting classifications of pathogenicity. Review status: criteria provided, conflicting classifications (1 of 4 stars). 8 submissions from 8 submitters: Uncertain significance (3); Benign (1); Likely benign (3). 1 of the submissions does not count toward it. Last evaluated 2026-02-02.

Conditions:
KCNT1-related disorder. Also called: KCNT1-related condition.
Developmental and epileptic encephalopathy, 14 (DEE14). Also called: Early infantile epileptic encephalopathy 14. Identifiers: Orphanet 293181, MedGen C3554195, MONDO:0013989, OMIM 614959.
Autosomal dominant nocturnal frontal lobe epilepsy 5. Also called: CILIARY DYSKINESIA, PRIMARY, 28, WITHOUT SITUS INVERSUS; CILIARY DYSKINESIA, PRIMARY, 28, WITH SITUS INVERSUS; KCNT1-Related Epilepsy; Epilepsy, nocturnal frontal lobe, 5. Identifiers: Orphanet 98784, MedGen C3554306, MONDO:0014002, OMIM 615005.
Inborn genetic diseases. Identifiers: MedGen C0950123, MeSH D030342.

Allele frequency attached by ClinVar (database versions not stated): gnomAD exomes 0.00007 and 0.00011; ExAC 0.00014; ESP Exome Variant Server 0.00038; 1000 Genomes Project 0.00040; gnomAD 0.00044 and 0.00048; TOPMed 0.00045; 1000 Genomes Project 30x 0.00047.
gnomAD v4.1: 170 of 1,613,190 alleles (0.011%); highest among the groups gnomAD compares: African/African-American, 0.14%; no homozygotes.

Submissions (8):

Labcorp Genetics (formerly Invitae), Labcorp
Classification: Likely benign for Autosomal dominant nocturnal frontal lobe epilepsy 5; Developmental and epileptic encephalopathy, 14. Last evaluated: 2026-02-02. Review status: criteria provided, single submitter. Criteria: Invitae Variant Classification Sherloc (09022015). Collection method: clinical testing. Allele origin: germline.

Women's Health and Genetics/Laboratory Corporation of America, LabCorp
Classification: Uncertain significance. Last evaluated: 2025-11-04. Review status: criteria provided, single submitter. Criteria: LabCorp Variant Classification Summary - May 2015. Collection method: clinical testing. Allele origin: germline.
Comment: Variant summary: KCNT1 c.1726G>A (p.Glu576Lys) results in a conservative amino acid change located in the Calcium-activated potassium channel BK, alpha subunit (IPR003929) of the encoded protein sequence. Algorithms developed to predict the effect of missense changes on protein structure and function are either unavailable or do not agree on the potential impact of this missense change. The variant allele was found at a frequency of 0.00011 in 250560 control chromosomes. This frequency is not significantly higher than estimated for disease-causing variants in KCNT1, allowing no conclusion about variant significance. To our knowledge, no occurrence of c.1726G>A in individuals affected with KCNT1-related conditions and no experimental evidence demonstrating its impact on protein function have been reported. ClinVar contains an entry for this variant (Variation ID: 194781). Based on the evidence outlined above, the variant was classified as uncertain significance.

Blueprint Genetics
Classification: Likely benign. Last evaluated: 2024-11-06. Review status: criteria provided, single submitter. Criteria: ACMG Guidelines, 2015. Collection method: clinical testing. Allele origin: germline.

Ambry Genetics
Classification: Likely benign for Inborn genetic diseases. Last evaluated: 2024-03-27. Review status: criteria provided, single submitter. Criteria: Ambry Variant Classification Scheme 2023. Collection method: clinical testing. Allele origin: germline.

Revvity Omics, Revvity
Classification: Uncertain significance. Last evaluated: 2021-05-19. Review status: criteria provided, single submitter. Criteria: ACMG Guidelines, 2015. Collection method: clinical testing. Allele origin: germline.

GeneDx
Classification: Benign. Last evaluated: 2020-09-01. Review status: criteria provided, single submitter. Criteria: GeneDx Variant Classification Process June 2021. Collection method: clinical testing. Allele origin: germline. Affected: yes.

Eurofins Ntd Llc (ga)
Classification: Uncertain significance. Last evaluated: 2017-03-14. Review status: criteria provided, single submitter. Criteria: EGL Classification Definitions 2015. Collection method: clinical testing. Allele origin: germline. Observed: 3 variant alleles, 3 heterozygotes.

PreventionGenetics, part of Exact Sciences
Classification: Likely benign for KCNT1-related condition. Last evaluated: 2023-06-06. Review status: no assertion criteria provided. Collection method: clinical testing. Allele origin: germline. Not counted in ClinVar's aggregate classification.
Comment: This variant is classified as likely benign based on ACMG/AMP sequence variant interpretation guidelines (Richards et al. 2015 PMID: 25741868, with internal and published modifications).